The following is an entry in ClinVar:

ClinVar aggregate classification (germline): Likely benign (1 of 4 stars; one submission).

Allele frequency attached by ClinVar (database versions not stated): gnomAD 0.00037; ESP Exome Variant Server 0.00039; TOPMed 0.00052; ExAC 0.00195.
gnomAD v4.1: 533 of 1,524,644 alleles (0.035%); highest among the groups gnomAD compares: Admixed American, 0.024%; 3 homozygotes.

Submission:

CeGaT Center for Human Genetics Tuebingen
Classification: Likely benign. Last evaluated: 2024-01-01. Review status: criteria provided, single submitter. Criteria: CeGaT Center For Human Genetics Tuebingen Variant Classification Criteria Version 2. Collection method: clinical testing. Allele origin: germline. Affected: yes. Observed: 2 variant alleles.
Comment: FBXO11: BP4

NM_001190274.2(FBXO11):c.-6C>T

Genes: FBXO11 (F-box protein 11; minus strand), LOC100506235 (uncharacterized LOC100506235; plus strand). Cytogenetic location: 2p16.3.
Variant type: single nucleotide variant.
Coding change: c.-6C>T on transcript NM_001190274.2 (MANE Select); 6 bases upstream of the start codon, C replaced by T.
Molecular consequence: 5 prime UTR variant. On other transcripts: non-coding transcript variant (1).
Genome position (GRCh38, 1-based): chr2:47,905,726, G>A on the plus strand (C>T on the coding strand, the complement: FBXO11 is on the minus strand). VCF-style: chr2-47905726-G-A. GRCh37 (hg19) VCF-style: chr2-48132865-G-A.
Identifiers: ClinVar variation 2650892 (VCV002650892.24), dbSNP rs371153910, ClinGen allele CA1650260.